The following is an entry in ClinVar:

ClinVar aggregate classification (germline): Uncertain significance (1 of 4 stars; one submission).

Allele frequency attached by ClinVar (database versions not stated): gnomAD exomes below 0.00001; gnomAD 0.00001.
gnomAD v4.1: 4 of 1,583,484 alleles (0.00025%); highest among the groups gnomAD compares: South Asian, 0.0011%; no homozygotes.

Submission:

Labcorp Genetics (formerly Invitae), Labcorp
Classification: Uncertain significance. Last evaluated: 2024-01-08. Review status: criteria provided, single submitter. Criteria: Invitae Variant Classification Sherloc (09022015). Collection method: clinical testing. Allele origin: germline.
Comment: This sequence change replaces aspartic acid, which is acidic and polar, with asparagine, which is neutral and polar, at codon 180 of the KIAA1161 protein (p.Asp180Asn). This variant is not present in population databases (gnomAD no frequency). This variant has not been reported in the literature in individuals affected with KIAA1161-related conditions. ClinVar contains an entry for this variant (Variation ID: 1960173). Advanced modeling of protein sequence and biophysical properties (such as structural, functional, and spatial information, amino acid conservation, physicochemical variation, residue mobility, and thermodynamic stability) performed at Invitae indicates that this missense variant is not expected to disrupt KIAA1161 protein function with a negative predictive value of 80%. In summary, the available evidence is currently insufficient to determine the role of this variant in disease. Therefore, it has been classified as a Variant of Uncertain Significance.

NM_020702.5(MYORG):c.538G>A (p.Asp180Asn)

Gene: MYORG (myogenesis regulating glycosidase; minus strand). Cytogenetic location: 9p13.3.
Variant type: single nucleotide variant.
Coding change: c.538G>A on transcript NM_020702.5 (MANE Select); coding-DNA position 538, G replaced by A.
Protein change: p.Asp180Asn; replaces aspartic acid 180 with asparagine.
Molecular consequence: missense variant.
Genome position (GRCh38, 1-based): chr9:34,372,406, C>T on the plus strand (G>A on the coding strand, the complement: MYORG is on the minus strand). VCF-style: chr9-34372406-C-T. GRCh37 (hg19) VCF-style: chr9-34372404-C-T.
Other names: short protein forms D180N.
Identifiers: ClinVar variation 1960173 (VCV001960173.3), dbSNP rs1588004881, ClinGen allele CA373245876.